The following is an entry in ClinVar:

ClinVar aggregate classification (germline): Pathogenic (1 of 4 stars; one submission).

Conditions:
Cardiovascular phenotype. Identifiers: MedGen CN230736.
Hereditary cancer-predisposing syndrome. Also called: Neoplastic Syndromes, Hereditary; Tumor predisposition; Hereditary neoplastic syndrome; Hereditary Cancer Syndrome. Identifiers: Orphanet 140162, MedGen C0027672, MeSH D009386, MONDO:0015356.

Submission:

Ambry Genetics
Classification: Pathogenic for Cardiovascular phenotype; Hereditary cancer-predisposing syndrome. Last evaluated: 2026-09-14. Review status: criteria provided, single submitter. Criteria: Ambry Variant Classification Scheme 2023. Collection method: clinical testing. Allele origin: germline.
Comment: The c.351_352dupCC pathogenic mutation, located in coding exon 4 of the LZTR1 gene, results from a duplication of CC at nucleotide position 351, causing a translational frameshift with a predicted alternate stop codon (p.R118Pfs*30). This alteration is expected to result in loss of function by premature protein truncation or nonsense-mediated mRNA decay. Loss-of-function variants in LZTR1 are related to an increased risk for schwannomas and autosomal recessive Noonan syndrome; however, such associations with autosomal dominant Noonan syndrome have not been observed (Piotrowski A et al. Nat Genet. 2014 Feb;46:182-7; Yamamoto GL et al. J Med Genet. 2015 Jun;52:413-21; Johnston JJ et al. Genet Med. 2018 10;20:1175-1185). Based on the supporting evidence, this variant is pathogenic for an increased risk of LZTR1-related schwannomatosis (SWN) and would be expected to cause autosomal recessive Noonan syndrome when present along with a second pathogenic or likely pathogenic variant on the other allele; however, the association of this variant with autosomal dominant Noonan syndrome is unlikely.

NM_006767.4(LZTR1):c.351_352dup (p.Arg118fs)

Gene: LZTR1 (leucine zipper like post translational regulator 1; plus strand). Cytogenetic location: 22q11.21.
Variant type: Duplication.
Coding change: c.351_352dup on transcript NM_006767.4 (MANE Select); coding-DNA positions 351 to 352, 2 bases duplicated (CC; older notation c.351_352dupCC).
Protein change: p.Arg118fs; shifts the reading frame from arginine 118.
Molecular consequence: frameshift variant.
Genome position (GRCh38, 1-based): chr22:20,987,534-20,987,535, CC duplicated; duplicating any 2 consecutive bases within chr22:20,987,530-20,987,535 gives the same sequence; the c. name uses the placement nearest the transcript's 3' end. VCF-style (leftmost placement, unchanged base first): chr22-20987529-G-GCC. GRCh37 (hg19) VCF-style: chr22-21341818-G-GCC.
Other names: short protein forms R118fs.
Identifiers: ClinVar variation 5023813 (VCV005023813.1).
Genomic context (GRCh38, chr22:20,987,529, plus strand): 5'-CCCGCTGACTCTCACCACCCCTGTGCCCACCCCAGGGCCTTTACCACTGGGACCCCACCG[G>GCC]CCCCCCGTTACCACCACTCGGCCGTCGTCTATGGGAGCAGCATGTTTGTCTTTGGTAAGC-3'